The following is an entry in ClinVar:

ClinVar aggregate classification (germline): Pathogenic/Likely pathogenic. Review status: criteria provided, multiple submitters, no conflicts (2 of 4 stars). 2 submissions from 2 submitters: Pathogenic (1); Likely pathogenic (1). Last evaluated 2025-10-05.

Conditions:
Marfan syndrome (MFS). Also called: Marfan syndrome, classic; FBN1-Related Marfan Syndrome; Marfan syndrome type 1; Marfan's syndrome; MARFAN SYNDROME, TYPE I. Identifiers: Orphanet 284963, Orphanet 558, MedGen C0024796, MONDO:0007947, OMIM 154700.

Submissions (2):

Clinical Biomedical Laboratory, Shriners Hospital For Children - Canada
Classification: Likely pathogenic for Marfan syndrome. Last evaluated: 2025-10-05. Review status: criteria provided, single submitter. Criteria: ACMG Guidelines, 2015. Collection method: clinical testing. Allele origin: germline. Affected: yes.
Comment: This variant is predicted to introduce a premature stop codon and lead to loss of function of the affected allele. This variant is absent from the Genome Aggregation Database (v2.1.1). Heterozygous loss of function mutations in FBN1 are an established cause of Marfan syndrome (PMID:33087052).

Laboratory for Molecular Medicine, Mass General Brigham Personalized Medicine
Classification: Pathogenic for Marfan syndrome. Last evaluated: 2013-07-18. Review status: criteria provided, single submitter. Criteria: LMM Criteria. Collection method: clinical testing. Allele origin: germline. Inheritance: Autosomal dominant inheritance. Observed: 1 variant allele.
Comment: The Ser2755fs variant in FBN1 has not been reported in the literature or in larg e population studies. This frameshift variant is predicted to alter the protein? s amino acid sequence beginning at position 2755 and lead to a premature termina tion codon 25 amino acids downstream. This alteration is then predicted to lead to a truncated or absent protein. Heterozygous loss of function of function of t he FBN1 gene is an established disease mechanism in Marfan syndrome. In summary, this variant meets our criteria to be classified as pathogenic.

Literature cited by the submitters: PubMed 33087052 (cited by Clinical Biomedical Laboratory, Shriners Hospital For Children - Canada).

NM_000138.5(FBN1):c.8265_8266delinsAGGA (p.Ser2755fs)

Gene: FBN1 (fibrillin 1; minus strand). Cytogenetic location: 15q21.1.
Variant type: Indel.
Coding change: c.8265_8266delinsAGGA on transcript NM_000138.5 (MANE Select); coding-DNA positions 8265 to 8266, TT replaced by AGGA.
Protein change: p.Ser2755fs; shifts the reading frame from serine 2755.
Molecular consequence: frameshift variant.
Genome position (GRCh38, 1-based): chr15:48,411,340-48,411,341, AA replaced by TCCT on the plus strand (TT replaced by AGGA on the coding strand, the reverse complement: FBN1 is on the minus strand). VCF-style: chr15-48411340-AA-TCCT. GRCh37 (hg19) VCF-style: chr15-48703537-AA-TCCT.
Other names: short protein forms S2755fs.
Identifiers: ClinVar variation 179129 (VCV000179129.5), dbSNP rs727504651, ClinGen allele CA017652.